The following is an entry in ClinVar:

NM_000282.4(PCCA):c.1792C>G (p.Leu598Val)

Gene: PCCA (propionyl-CoA carboxylase subunit alpha; plus strand). Cytogenetic location: 13q32.3.
Variant type: single nucleotide variant.
Coding change: c.1792C>G on transcript NM_000282.4 (MANE Select); coding-DNA position 1792, C replaced by G.
Protein change: p.Leu598Val; replaces leucine 598 with valine.
Molecular consequence: missense variant. On other transcripts: non-coding transcript variant (5).
Genome position (GRCh38, 1-based): chr13:100,425,678, C>G. VCF-style: chr13-100425678-C-G. GRCh37 (hg19) VCF-style: chr13-101077932-C-G.
Other names: c.1714C>G, p.Leu572Val (NM_001127692.3, NM_001352607.2); c.1792C>G, p.Leu598Val (NM_001178004.2, NM_001352605.2, NM_001352609.2); c.1648C>G, p.Leu550Val (NM_001352606.2); c.1570C>G, p.Leu524Val (NM_001352608.2); c.847C>G, p.Leu283Val (NM_001352610.2, NM_001352611.2); c.703C>G, p.Leu235Val (NM_001352612.2); short protein forms L235V, L283V, L550V, L524V, L598V, L572V.
Identifiers: ClinVar variation 1371945 (VCV001371945.8), dbSNP rs2079093758, ClinGen allele CA388696824.

ClinVar aggregate classification (germline): Uncertain significance (1 of 4 stars; one submission).

Conditions:
Propionic acidemia (PROP). Also called: GLYCINEMIA, KETOTIC; HYPERGLYCINEMIA WITH KETOACIDOSIS AND LEUKOPENIA; KETOTIC HYPERGLYCINEMIA. Identifiers: Orphanet 35, MedGen C0268579, MONDO:0011628, OMIM 606054, HP:0003571.

Allele frequency attached by ClinVar (database versions not stated): TOPMed below 0.00001.

Submission:

Labcorp Genetics (formerly Invitae), Labcorp
Classification: Uncertain significance for Propionic acidemia. Last evaluated: 2021-06-13. Review status: criteria provided, single submitter. Criteria: Invitae Variant Classification Sherloc (09022015). Collection method: clinical testing. Allele origin: germline.
Comment: This variant is not present in population databases (ExAC no frequency). This sequence change replaces leucine with valine at codon 598 of the PCCA protein (p.Leu598Val). The leucine residue is highly conserved and there is a small physicochemical difference between leucine and valine. This variant has not been reported in the literature in individuals with PCCA-related conditions. In summary, the available evidence is currently insufficient to determine the role of this variant in disease. Therefore, it has been classified as a Variant of Uncertain Significance. Advanced modeling of protein sequence and biophysical properties (such as structural, functional, and spatial information, amino acid conservation, physicochemical variation, residue mobility, and thermodynamic stability) performed at Invitae indicates that this missense variant is not expected to disrupt PCCA protein function.